The following is an entry in ClinVar:

ClinVar aggregate classification (germline): Benign/Likely benign. Review status: criteria provided, multiple submitters, no conflicts (2 of 4 stars). 3 submissions from 3 submitters: Benign (1); Likely benign (2). Last evaluated 2024-12-29.

Conditions:
Hereditary cancer-predisposing syndrome. Also called: Tumor predisposition; Hereditary Cancer Syndrome; Neoplastic Syndromes, Hereditary; Hereditary neoplastic syndrome. Identifiers: Orphanet 140162, MedGen C0027672, MeSH D009386, MONDO:0015356.
Hereditary diffuse gastric adenocarcinoma (HDGC). Also called: DIFFUSE GASTRIC AND LOBULAR BREAST CANCER SYNDROME. Identifiers: Orphanet 26106, MedGen C1708349, MONDO:0007648, OMIM 137215.

Submissions (3):

Labcorp Genetics (formerly Invitae), Labcorp
Classification: Likely benign for Hereditary diffuse gastric adenocarcinoma. Last evaluated: 2024-12-29. Review status: criteria provided, single submitter. Criteria: Invitae Variant Classification Sherloc (09022015). Collection method: clinical testing. Allele origin: germline.

Myriad Genetics, Inc.
Classification: Benign for Hereditary diffuse gastric adenocarcinoma. Last evaluated: 2024-09-13. Review status: criteria provided, single submitter. Criteria: Myriad Autosomal Dominant, Autosomal Recessive and X-Linked Classification Criteria (2023). Collection method: clinical testing. Allele origin: unknown.
Comment: This variant is considered benign. This variant is a silent/synonymous amino acid change and it is not expected to impact splicing.

Ambry Genetics
Classification: Likely benign for Hereditary cancer-predisposing syndrome. Last evaluated: 2023-10-06. Review status: criteria provided, single submitter. Criteria: Ambry Variant Classification Scheme 2023. Collection method: clinical testing. Allele origin: germline.

NM_004360.5(CDH1):c.690C>T (p.Leu230=)

Gene: CDH1 (cadherin 1; plus strand). Cytogenetic location: 16q22.1.
Variant type: single nucleotide variant.
Coding change: c.690C>T on transcript NM_004360.5 (MANE Select); coding-DNA position 690, C replaced by T.
Protein change: p.Leu230=; no amino-acid change (leucine 230 retained).
Molecular consequence: synonymous variant. On other transcripts: 5 prime UTR variant (2).
Genome position (GRCh38, 1-based): chr16:68,810,199, C>T. VCF-style: chr16-68810199-C-T. GRCh37 (hg19) VCF-style: chr16-68844102-C-T.
Other names: c.690C>T (LRG_301t1); c.690C>T, p.Leu230= (NM_001317184.2); c.-926C>T (NM_001317185.2); c.-1130C>T (NM_001317186.2).
Identifiers: ClinVar variation 215837 (VCV000215837.13), dbSNP rs863224397, ClinGen allele CA338876.